The following is an entry in ClinVar:

NM_000726.5(CACNB4):c.*1814G>A

Gene: CACNB4 (calcium voltage-gated channel auxiliary subunit beta 4; minus strand). Cytogenetic location: 2q23.3.
Variant type: single nucleotide variant.
Coding change: c.*1814G>A on transcript NM_000726.5 (MANE Select); 1814 bases downstream of the stop codon, G replaced by A.
Molecular consequence: 3 prime UTR variant.
Genome position (GRCh38, 1-based): chr2:151,837,305, C>T on the plus strand (G>A on the coding strand, the complement: CACNB4 is on the minus strand). VCF-style: chr2-151837305-C-T. GRCh37 (hg19) VCF-style: chr2-152693819-C-T.
Other names: c.*1814G>A (NM_001005746.4, NM_001005747.4, NM_001145798.3 and 7 more transcripts).
Identifiers: ClinVar variation 331599 (VCV000331599.34), dbSNP rs181447432, ClinGen allele CA10611404.

ClinVar aggregate classification (germline): Benign. Review status: criteria provided, multiple submitters, no conflicts (2 of 4 stars). 2 submissions from 2 submitters: Benign (2). Last evaluated 2023-05-01.

Conditions:
Episodic ataxia type 5. Identifiers: Orphanet 211067, MedGen C1866039, MONDO:0013464, OMIM 613855.

Allele frequency attached by ClinVar (database versions not stated): 1000 Genomes Project 30x 0.00094; 1000 Genomes Project 0.00100; TOPMed 0.00101; gnomAD 0.00103 and 0.00108.

Submissions (2):

CeGaT Center for Human Genetics Tuebingen
Classification: Benign. Last evaluated: 2023-05-01. Review status: criteria provided, single submitter. Criteria: CeGaT Center For Human Genetics Tuebingen Variant Classification Criteria Version 2. Collection method: clinical testing. Allele origin: germline. Affected: yes. Observed: 3 variant alleles.
Comment: CACNB4: BS1, BS2

Illumina Laboratory Services, Illumina
Classification: Benign for Episodic ataxia type 5. Last evaluated: 2018-01-12. Review status: criteria provided, single submitter. Criteria: ICSL Variant Classification Criteria 13 December 2019. Collection method: clinical testing. Allele origin: germline.
Comment: This variant was observed in the ICSL laboratory as part of a predisposition screen in an ostensibly healthy population. It had not been previously curated by ICSL or reported in the Human Gene Mutation Database (HGMD: prior to June 1st, 2018), and was therefore a candidate for classification through an automated scoring system. Utilizing variant allele frequency, disease prevalence and penetrance estimates, and inheritance mode, an automated score was calculated to assess if this variant is too frequent to cause the disease. Based on the score and internal cut-off values, a variant classified as benign is not then subjected to further curation. The score for this variant resulted in a classification of benign for this disease.